The following is an entry in ClinVar:

ClinVar aggregate classification (germline): Uncertain significance (1 of 4 stars; one submission).

Conditions:
Delpire-McNeill syndrome. Also called: SLC12A2-related autosomal dominant infantile-developmental delay-intellectual disability-sensorineural deafness syndrome. Identifiers: Orphanet 633024, MedGen C5436771, MONDO:0033667, OMIM 619083.

Submission:

MVZ Medizinische Genetik Mainz
Classification: Uncertain significance for Delpire-McNeill syndrome. Last evaluated: 2021-10-25. Review status: criteria provided, single submitter. Criteria: UK Practice Guidelines For Variant Classification V4 01 2020. Collection method: clinical testing. Allele origin: germline. Inheritance: Autosomal dominant inheritance. Affected: yes. Observed: 1 variant allele.
Comment: ACMG Criteria: PM1, PM2_SUP, PP3

NM_001046.3(SLC12A2):c.3419A>G (p.Glu1140Gly)

Gene: SLC12A2 (solute carrier family 12 member 2; plus strand). Cytogenetic location: 5q23.3.
Variant type: single nucleotide variant.
Coding change: c.3419A>G on transcript NM_001046.3 (MANE Select); coding-DNA position 3419, A replaced by G.
Protein change: p.Glu1140Gly; replaces glutamic acid 1140 with glycine.
Molecular consequence: missense variant. On other transcripts: non-coding transcript variant (1).
Genome position (GRCh38, 1-based): chr5:128,184,485, A>G. VCF-style: chr5-128184485-A-G. GRCh37 (hg19) VCF-style: chr5-127520177-A-G.
Other names: c.3371A>G, p.Glu1124Gly (NM_001256461.2); short protein forms E1124G, E1140G.
Identifiers: ClinVar variation 3236052 (VCV003236052.1), dbSNP rs2479497731, ClinGen allele CA360741590.
Genomic context (GRCh38, chr5:128,184,485, plus strand): 5'-AAGATATTGCAGATAAAATGAAAGAAGATGAACCATGGCGAATAACAGATAATGAGCTTG[A>G]ACTTTATAAGACCAAGGTATTCTCTTCTGCTTCCTTTTCATTAATCTTTTATATAATAAA-3'
Protein context (NP_001037.1, residues 1130-1150): EPWRITDNEL[Glu1140Gly]LYKTKTYRQI